The following is an entry in ClinVar:

NM_001035.3(RYR2):c.14203AAC[1] (p.Asn4736del)

Gene: RYR2 (ryanodine receptor 2; plus strand). Cytogenetic location: 1q43.
Variant type: Microsatellite.
Coding change: c.14203AAC[1] on transcript NM_001035.3 (MANE Select); one copy of the 3-base unit AAC starting at c.14203; the reference has two copies in a row; one copy, 3 bases deleted.
Protein change: p.Asn4736del; deletes asparagine 4736.
Genome position (GRCh38, 1-based): chr1:237,806,191-237,806,193, AAC deleted; deleting any 3 consecutive bases within chr1:237,806,188-237,806,193 gives the same sequence; the position shown is the placement nearest the transcript's 3' end. VCF-style (leftmost placement, unchanged base first): chr1-237806187-TAAC-T. GRCh37 (hg19) VCF-style: chr1-237969487-TAAC-T.
Other names: short protein forms N4736del.
Identifiers: ClinVar variation 3949046 (VCV003949046.1).

ClinVar aggregate classification (germline): Uncertain significance (1 of 4 stars; one submission).

Conditions:
Cardiovascular phenotype. Identifiers: MedGen CN230736.

Submission:

Ambry Genetics
Classification: Uncertain significance for Cardiovascular phenotype. Last evaluated: 2025-05-25. Review status: criteria provided, single submitter. Criteria: Ambry Variant Classification Scheme 2023. Collection method: clinical testing. Allele origin: germline.
Comment: The c.14206_14208delAAC variant (also known as p.N4736del) is located in coding exon 99 of the RYR2 gene. This variant results from an in-frame AAC deletion at nucleotide positions 14206 to 14208. This results in the in-frame deletion of an asparagine at codon 4736. This variant was reported in individual(s) with features consistent with catecholaminergic polymorphic ventricular tachycardia (CPVT) (Medeiros-Domingo A et al. J Am Coll Cardiol, 2009 Nov;54:2065-74). This amino acid position is highly conserved in available vertebrate species. Based on the available evidence, the clinical significance of this variant remains unclear.

Literature cited by the submitters: PubMed 19926015.